The following is an entry in ClinVar:

ClinVar aggregate classification (germline): Uncertain significance (1 of 4 stars; one submission).

Conditions:
Neuroblastoma, susceptibility to, 3. Also called: ALK-Related Neuroblastic Tumor Susceptibility. Identifiers: Orphanet 635, MedGen C2751681, MONDO:0013083, OMIM 613014.

Submission:

Labcorp Genetics (formerly Invitae), Labcorp
Classification: Uncertain significance for Neuroblastoma, susceptibility to, 3. Last evaluated: 2025-10-05. Review status: criteria provided, single submitter. Criteria: Invitae Variant Classification Sherloc (09022015). Collection method: clinical testing. Allele origin: germline.
Comment: This sequence change replaces serine, which is neutral and polar, with threonine, which is neutral and polar, at codon 716 of the ALK protein (p.Ser716Thr). This variant is not present in population databases (gnomAD no frequency). This variant has not been reported in the literature in individuals affected with ALK-related conditions. An algorithm developed to predict the effect of missense changes on protein structure and function (PolyPhen-2) suggests that this variant is likely to be tolerated. In summary, the available evidence is currently insufficient to determine the role of this variant in disease. Therefore, it has been classified as a Variant of Uncertain Significance.

NM_004304.5(ALK):c.2147G>C (p.Ser716Thr)

Gene: ALK (ALK receptor tyrosine kinase; minus strand). Cytogenetic location: 2p23.2.
Variant type: single nucleotide variant.
Coding change: c.2147G>C on transcript NM_004304.5 (MANE Select); coding-DNA position 2147, G replaced by C.
Protein change: p.Ser716Thr; replaces serine 716 with threonine.
Molecular consequence: missense variant.
Genome position (GRCh38, 1-based): chr2:29,251,162, C>G on the plus strand (G>C on the coding strand, the complement: ALK is on the minus strand). VCF-style: chr2-29251162-C-G. GRCh37 (hg19) VCF-style: chr2-29474028-C-G.
Other names: short protein forms S716T.
Identifiers: ClinVar variation 4704777 (VCV004704777.1).